The following is an entry in ClinVar:

NM_000458.4(HNF1B):c.983C>G (p.Pro328Arg)

Gene: HNF1B (HNF1 homeobox B; minus strand). Cytogenetic location: 17q12.
Variant type: single nucleotide variant.
Coding change: c.983C>G on transcript NM_000458.4 (MANE Select); coding-DNA position 983, C replaced by G.
Protein change: p.Pro328Arg; replaces proline 328 with arginine.
Molecular consequence: missense variant.
Genome position (GRCh38, 1-based): chr17:37,731,657, G>C on the plus strand (C>G on the coding strand, the complement: HNF1B is on the minus strand). VCF-style: chr17-37731657-G-C. GRCh37 (hg19) VCF-style: chr17-36091648-G-C.
Other names: c.905C>G, p.Pro302Arg (NM_001165923.4, NM_001304286.2); c.983C>G, p.Pro328Arg (NM_001411100.1); short protein forms P302R, P328R.
Identifiers: ClinVar variation 1802669 (VCV001802669.1), dbSNP rs764132839, ClinGen allele CA398746334.

ClinVar aggregate classification (germline): Uncertain risk allele (1 of 4 stars; one submission).

Conditions:
Maturity-onset diabetes of the young (MODY). Also called: Maturity onset diabetes mellitus in young. Identifiers: Orphanet 552, MedGen C0342276, MONDO:0018911, HP:0004904.

gnomAD v4.1: 1 of 1,614,050 alleles (0.000062%); highest among the groups gnomAD compares: African/African-American, 0.0013%; no homozygotes.

Submission:

Clinical Genomics, Uppaluri K&H Personalized Medicine Clinic
Classification: Uncertain risk allele for Maturity-onset diabetes of the young. Review status: criteria provided, single submitter. Criteria: K & H Uppaluri Personalized Medicine Clinic Variant Classification & Assertion Criteria_Updated V.1. Collection method: research. Allele origin: unknown. Inheritance: Autosomal dominant inheritance.
Comment: HNF1B gene mutations are associated with early onset diabetes and pancreatic atrophy. It is also associated with multiple renal manifestations including renal cysts, Tubulointerstitial disease, glomerulocystic disease, renal hypoplasia, hypomagnesemia. However no sufficient evidence is found to ascertain the role of this particular variant rs764132839, yet.

Literature cited by the submitters: PubMed 24897035; PubMed 25536396; PubMed 27615128; PubMed 28215227; PubMed 33434175; PubMed 25741167; PubMed 26340261; PubMed 19639018.